The following is an entry in ClinVar:

ClinVar aggregate classification (germline): Likely benign. Review status: criteria provided, multiple submitters, no conflicts (2 of 4 stars). 2 submissions from 2 submitters: Likely benign (2). Last evaluated 2023-11-22.

Conditions:
Parkinsonian-pyramidal syndrome. Also called: PARKINSON DISEASE 15, AUTOSOMAL RECESSIVE EARLY-ONSET; PALLIDOPYRAMIDAL SYNDROME; PARKINSON DISEASE 15, AUTOSOMAL RECESSIVE. Identifiers: Orphanet 171695, MedGen C1850100, MONDO:0009830, OMIM 260300.

Allele frequency attached by ClinVar (database versions not stated): TOPMed 0.00001; gnomAD 0.00002; gnomAD exomes 0.00002.
gnomAD v4.1: 31 of 1,613,968 alleles (0.0019%); highest among the groups gnomAD compares: Non-Finnish European, 0.0025%; no homozygotes.

Submissions (2):

Labcorp Genetics (formerly Invitae), Labcorp
Classification: Likely benign for Parkinsonian-pyramidal syndrome. Last evaluated: 2023-11-22. Review status: criteria provided, single submitter. Criteria: Invitae Variant Classification Sherloc (09022015). Collection method: clinical testing. Allele origin: germline.

GeneDx
Classification: Likely benign. Last evaluated: 2017-08-10. Review status: criteria provided, single submitter. Criteria: GeneDx Variant Classification (06012015). Collection method: clinical testing. Allele origin: germline. Affected: yes.
Comment: This variant is considered likely benign or benign based on one or more of the following criteria: it is a conservative change, it occurs at a poorly conserved position in the protein, it is predicted to be benign by multiple in silico algorithms, and/or has population frequency not consistent with disease.

NM_012179.4(FBXO7):c.1530C>T (p.Ser510=)

Gene: FBXO7 (F-box protein 7; plus strand). Cytogenetic location: 22q12.3.
Variant type: single nucleotide variant.
Coding change: c.1530C>T on transcript NM_012179.4 (MANE Select); coding-DNA position 1530, C replaced by T.
Protein change: p.Ser510=; no amino-acid change (serine 510 retained).
Molecular consequence: synonymous variant.
Genome position (GRCh38, 1-based): chr22:32,498,491, C>T. VCF-style: chr22-32498491-C-T. GRCh37 (hg19) VCF-style: chr22-32894478-C-T.
Other names: c.1293C>T, p.Ser431= (NM_001033024.2); c.1188C>T, p.Ser396= (NM_001257990.2).
Identifiers: ClinVar variation 382325 (VCV000382325.4), dbSNP rs1057521329, ClinGen allele CA16608161.